The following is an entry in ClinVar:

ClinVar aggregate classification (germline): Uncertain significance (1 of 4 stars; one submission).

Conditions:
Primary ciliary dyskinesia 3. Identifiers: Orphanet 244, MedGen C1837618, MONDO:0012085, OMIM 608644.

Submission:

Myriad Genetics, Inc.
Classification: Uncertain significance for Primary ciliary dyskinesia 3. Last evaluated: 2026-01-06. Review status: criteria provided, single submitter. Criteria: Myriad Autosomal Dominant, Autosomal Recessive and X-Linked Classification Criteria (2023). Collection method: clinical testing. Allele origin: unknown.
Comment: NM_001369.2(DNAH5):c.12397_12401del5ins5(E4133_A4134delinsKV) is a multinucleotide variant classified as a variant of uncertain significance in the context of primary ciliary dyskinesia, DNAH5-related. E4133_A4134delinsKV has not been observed in cases with relevant disease. Relevant functional assessments of this variant are not available in the literature. E4133_A4134delinsKV has not been observed in referenced population frequency databases. In summary, there is insufficient evidence to classify NM_001369.2(DNAH5):c.12397_12401del5ins5(E4133_A4134delinsKV) as pathogenic or benign. Please note: this variant was assessed in the context of healthy population screening.

NM_001369.3(DNAH5):c.12397_12401delinsAAGGT (p.Glu4133_Ala4134delinsLysVal)

Gene: DNAH5 (dynein axonemal heavy chain 5; minus strand). Cytogenetic location: 5p15.2.
Variant type: Indel.
Coding change: c.12397_12401delinsAAGGT on transcript NM_001369.3 (MANE Select); coding-DNA positions 12397 to 12401, GAGGC replaced by AAGGT.
Protein change: p.Glu4133_Ala4134delinsLysVal.
Molecular consequence: missense variant.
Genome position (GRCh38, 1-based): chr5:13,718,980-13,718,984, GCCTC replaced by ACCTT on the plus strand (GAGGC replaced by AAGGT on the coding strand, the reverse complement: DNAH5 is on the minus strand). VCF-style: chr5-13718980-GCCTC-ACCTT. GRCh37 (hg19) VCF-style: chr5-13719089-GCCTC-ACCTT.
Identifiers: ClinVar variation 5003396 (VCV005003396.1).